The following is an entry in ClinVar:

ClinVar aggregate classification (germline): Conflicting classifications of pathogenicity. Review status: criteria provided, conflicting classifications (1 of 4 stars). 4 submissions from 4 submitters: Uncertain significance (1); Likely benign (2). 1 of the submissions does not count toward it. Last evaluated 2026-05-15.

Conditions:
Inborn genetic diseases. Identifiers: MedGen C0950123, MeSH D030342.
Polycystic kidney disease. Also called: Kidney, Polycystic; Polycystic kidney dysplasia. Identifiers: MedGen C0022680, MeSH D007690, MONDO:0020642, HP:0000113.
PKD1-related disorder. Also called: PKD1-related condition.

Allele frequency attached by ClinVar (database versions not stated): TOPMed 0.00003; gnomAD 0.00004 and 0.00010; gnomAD exomes 0.00016 and 0.00025; ExAC 0.00029.
gnomAD v4.1: 254 of 1,605,256 alleles (0.016%); highest among the groups gnomAD compares: South Asian, 0.24%; 1 homozygote.

Submissions (4):

PreventionGenetics, part of Exact Sciences
Classification: Likely benign for PKD1-related condition. Last evaluated: 2026-05-15. Review status: criteria provided, single submitter. Criteria: ACMG Guidelines, 2015. Collection method: clinical testing. Allele origin: germline.
Comment: This variant is classified as likely benign based on ACMG/AMP sequence variant interpretation guidelines (Richards et al. 2015 PMID: 25741868, with internal and published modifications).

Blueprint Genetics
Classification: Likely benign. Last evaluated: 2024-11-11. Review status: criteria provided, single submitter. Criteria: ACMG Guidelines, 2015. Collection method: clinical testing. Allele origin: germline.

Ambry Genetics
Classification: Uncertain significance for Inborn genetic diseases. Last evaluated: 2022-01-04. Review status: criteria provided, single submitter. Criteria: Ambry Variant Classification Scheme 2023. Collection method: clinical testing. Allele origin: germline.

Department of Pathology and Laboratory Medicine, Sinai Health System
Classification: Uncertain significance for Polycystic Kidney disease. Review status: no assertion criteria provided. Collection method: clinical testing. Allele origin: unknown. Affected: yes. Study: The Canadian Open Genetics Repository (COGR). Not counted in ClinVar's aggregate classification.
Comment: The PKD1 p.Val2031Met variant was not identified in the literature nor was it identified in the ClinVar, LOVD 3.0, ADPKD Mutation Database, or PKD1-LOVD databases. The variant was identified in dbSNP (ID: rs765389584). The variant was identified in control databases in 67 of 271688 chromosomes at a frequency of 0.0003 (Genome Aggregation Database Feb 27, 2017). The variant was observed in the following populations: Other in 1 of 6362 chromosomes (freq: 0.0002), European in 3 of 123156 chromosomes (freq: 0.00002), and South Asian in 63 of 30648 chromosomes (freq: 0.002); it was not observed in the African, Latino, Ashkenazi Jewish, East Asian, or Finnish populations. The p.Val2031 residue is conserved in mammals but not in more distantly related organisms although computational analyses (PolyPhen-2, SIFT, AlignGVGD, BLOSUM, MutationTaster) do not suggest a high likelihood of impact to the protein; this information is not predictive enough to rule out pathogenicity. The variant occurs outside of the splicing consensus sequence and in silico or computational prediction software programs (SpliceSiteFinder, MaxEntScan, NNSPLICE, GeneSplicer) do not predict a difference in splicing. In summary, based on the above information, the clinical significance of this variant cannot be determined with certainty at this time. This variant is classified as a variant of uncertain significance.

NM_001009944.3(PKD1):c.6091G>A (p.Val2031Met)

Gene: PKD1 (polycystin 1, transient receptor potential channel interacting; minus strand). Cytogenetic location: 16p13.3.
Variant type: single nucleotide variant.
Coding change: c.6091G>A on transcript NM_001009944.3 (MANE Select); coding-DNA position 6091, G replaced by A.
Protein change: p.Val2031Met; replaces valine 2031 with methionine.
Molecular consequence: missense variant.
Genome position (GRCh38, 1-based): chr16:2,109,076, C>T on the plus strand (G>A on the coding strand, the complement: PKD1 is on the minus strand). VCF-style: chr16-2109076-C-T. GRCh37 (hg19) VCF-style: chr16-2159077-C-T.
Other names: c.6091G>A (NM_000296.3, NM_001009944.2); c.6091G>A, p.Val2031Met (NM_000296.4); short protein forms V2031M.
Identifiers: ClinVar variation 997151 (VCV000997151.6), dbSNP rs765389584, ClinGen allele CA7831727.